The following is an entry in ClinVar:

ClinVar aggregate classification (germline): Pathogenic (1 of 4 stars; one submission).

Conditions:
glycolate oxidase deficiency.

gnomAD v4.1: 34 of 1,613,908 alleles (0.0021%); highest among the groups gnomAD compares: South Asian, 0.037%; 1 homozygote.

Submission:

Clinical Biochemistry Laboratory, Health Services Laboratory
Classification: Pathogenic for glycolate oxidase deficiency. Last evaluated: 2023-11-20. Review status: criteria provided, single submitter. Criteria: ACMG Guidelines, 2015. Collection method: clinical testing. Allele origin: germline. Affected: yes.
Comment: ACMG:PS3 PM1 PM2 PP3 PP4

Literature cited by the submitters: PubMed 28752386.

NM_017545.3(HAO1):c.493G>T (p.Gly165Cys)

Gene: HAO1 (hydroxyacid oxidase 1; minus strand). Cytogenetic location: 20p12.3.
Variant type: single nucleotide variant.
Coding change: c.493G>T on transcript NM_017545.3 (MANE Select); coding-DNA position 493, G replaced by T.
Protein change: p.Gly165Cys; replaces glycine 165 with cysteine.
Molecular consequence: missense variant.
Genome position (GRCh38, 1-based): chr20:7,914,216, C>A on the plus strand (G>T on the coding strand, the complement: HAO1 is on the minus strand). VCF-style: chr20-7914216-C-A. GRCh37 (hg19) VCF-style: chr20-7894863-C-A.
Other names: short protein forms G165C.
Identifiers: ClinVar variation 2674697 (VCV002674697.1), dbSNP rs768618504, ClinGen allele CA9759041.
Genomic context (GRCh38, chr20:7,914,216, plus strand): 5'-ATGGTTACCTGAGTTGTGGCGGCAGTTTGAATCTGTTACGCACATCATCCAGACGGTTGC[C>A]CAGGTAAGGTGTGTCCACTGTCACAAATATGGCCTTGTAGCCCATCTTCTCTGCCTGCCG-3'
Protein context (NP_060015.1, residues 155-175): IFVTVDTPYL[Gly165Cys]NRLDDVRNRF